The following is an entry in ClinVar:

ClinVar aggregate classification (germline): Uncertain significance (1 of 4 stars; one submission).

Submission:

GeneDx
Classification: Uncertain significance. Last evaluated: 2017-06-16. Review status: criteria provided, single submitter. Criteria: GeneDx Variant Classification (06012015). Collection method: clinical testing. Allele origin: germline. Affected: yes.
Comment: A variant of uncertain significance has been identified in the SCN10A gene. The c.495delC variant has not been published as pathogenic or been reported as benign to our knowledge. This variant is not observed in large population cohorts (Lek et al., 2016; 1000 Genomes Consortium et al., 2015; Exome Variant Server). The c.495delC variant causes a shift in reading frame starting at codon phenylalanine 166, changing it to a leucine, and creating a premature stop codon at position 4 of the new reading frame, denoted p.Phe166LeufsX4. This variant is expected to result in either an abnormal, truncated protein product or loss of protein from this allele through nonsense-mediated mRNA decay. However, only one other frameshift variant in the SCN10A gene has been reported in Human Gene Mutation Database in association with an SCN10A-related disorder (Stenson et al., 2014).

NM_006514.4(SCN10A):c.495del (p.Phe166fs)

Gene: SCN10A (sodium voltage-gated channel alpha subunit 10; minus strand). Cytogenetic location: 3p22.2.
Variant type: Deletion.
Coding change: c.495del on transcript NM_006514.4 (MANE Select); coding-DNA position 495, one base deleted (C; older notation c.495delC).
Protein change: p.Phe166fs; shifts the reading frame from phenylalanine 166.
Molecular consequence: frameshift variant.
Genome position (GRCh38, 1-based): chr3:38,771,383, G deleted on the plus strand (C on the coding strand, the reverse complement: SCN10A is on the minus strand); the first of 2 consecutive G bases (chr3:38,771,383-38,771,384); deleting either gives the same sequence. VCF-style (leftmost placement, unchanged base first): chr3-38771382-AG-A. GRCh37 (hg19) VCF-style: chr3-38812873-AG-A.
Other names: c.495del, p.Phe166fs (NM_001293306.2, NM_001293307.2); short protein forms F166fs.
Identifiers: ClinVar variation 432858 (VCV000432858.2), dbSNP rs1553623239, ClinGen allele CA645372385.